The following is an entry in ClinVar:

NM_002184.4(IL6ST):c.2593A>G (p.Met865Val)

Gene: IL6ST (interleukin 6 cytokine family signal transducer; minus strand). Cytogenetic location: 5q11.2.
Variant type: single nucleotide variant.
Coding change: c.2593A>G on transcript NM_002184.4 (MANE Select); coding-DNA position 2593, A replaced by G.
Protein change: p.Met865Val; replaces methionine 865 with valine.
Molecular consequence: missense variant. On other transcripts: 3 prime UTR variant (1), non-coding transcript variant (2).
Genome position (GRCh38, 1-based): chr5:55,941,246, T>C on the plus strand (A>G on the coding strand, the complement: IL6ST is on the minus strand). VCF-style: chr5-55941246-T-C. GRCh37 (hg19) VCF-style: chr5-55237074-T-C.
Other names: c.2410A>G, p.Met804Val (NM_001190981.2); c.2491A>G, p.Met831Val (NM_001364275.2); c.2383A>G, p.Met795Val (NM_001364276.2); c.1726A>G, p.Met576Val (NM_001364277.2); c.1690A>G, p.Met564Val (NM_001364278.2); c.1597A>G, p.Met533Val (NM_001364279.2); c.*1520A>G (NM_175767.3); short protein forms M533V, M564V, M576V, M795V, M804V, M831V, M865V.
Identifiers: ClinVar variation 999994 (VCV000999994.8), dbSNP rs761846914, ClinGen allele CA3271126.

ClinVar aggregate classification (germline): Uncertain significance (1 of 4 stars; one submission).

Allele frequency attached by ClinVar (database versions not stated): gnomAD exomes below 0.00001; TOPMed below 0.00001; ExAC 0.00001.

Submission:

Labcorp Genetics (formerly Invitae), Labcorp
Classification: Uncertain significance. Last evaluated: 2020-10-08. Review status: criteria provided, single submitter. Criteria: Invitae Variant Classification Sherloc (09022015). Collection method: clinical testing. Allele origin: germline.
Comment: In summary, the available evidence is currently insufficient to determine the role of this variant in disease. Therefore, it has been classified as a Variant of Uncertain Significance. Algorithms developed to predict the effect of missense changes on protein structure and function output the following: SIFT: "Tolerated"; PolyPhen-2: "Benign"; Align-GVGD: "Class C0". The valine amino acid residue is found in multiple mammalian species, suggesting that this missense change does not adversely affect protein function. These predictions have not been confirmed by published functional studies and their clinical significance is uncertain. This variant has not been reported in the literature in individuals with IL6ST-related conditions. This variant is present in population databases (rs761846914, ExAC 0.01%). This sequence change replaces methionine with valine at codon 865 of the IL6ST protein (p.Met865Val). The methionine residue is weakly conserved and there is a small physicochemical difference between methionine and valine.